The following is an entry in ClinVar:

ClinVar aggregate classification (germline): Benign (1 of 4 stars; one submission).

Allele frequency attached by ClinVar (database versions not stated): 1000 Genomes Project 0.03934; 1000 Genomes Project 30x 0.04107; gnomAD 0.04417 and 0.04577; TOPMed 0.04706.
gnomAD v4.1: 6,682 of 152,228 alleles (4.4%); highest among the groups gnomAD compares: African/African-American, 8.1%; 198 homozygotes.

Submission:

GeneDx
Classification: Benign. Last evaluated: 2018-06-14. Review status: criteria provided, single submitter. Criteria: GeneDx Variant Classification (06012015). Collection method: clinical testing. Allele origin: germline. Affected: yes.
Comment: This variant is considered likely benign or benign based on one or more of the following criteria: it is a conservative change, it occurs at a poorly conserved position in the protein, it is predicted to be benign by multiple in silico algorithms, and/or has population frequency not consistent with disease.

NM_182961.4(SYNE1):c.8178-281C>G

Gene: SYNE1 (spectrin repeat containing nuclear envelope protein 1; minus strand). Cytogenetic location: 6q25.2.
Variant type: single nucleotide variant.
Coding change: c.8178-281C>G on transcript NM_182961.4 (MANE Select); 281 bases into the intron before coding-DNA position 8178, C replaced by G.
Molecular consequence: intron variant.
Genome position (GRCh38, 1-based): chr6:152,387,662, G>C on the plus strand (C>G on the coding strand, the complement: SYNE1 is on the minus strand). VCF-style: chr6-152387662-G-C. GRCh37 (hg19) VCF-style: chr6-152708797-G-C.
Other names: c.8199-281C>G (NM_033071.5).
Identifiers: ClinVar variation 683930 (VCV000683930.1), dbSNP rs6557218, ClinGen allele CA150238977.